The following is an entry in ClinVar:

ClinVar aggregate classification (germline): Uncertain significance (1 of 4 stars; one submission).

Conditions:
VPS13A-related neurodegenerative disease. Also called: LEVINE-CRITCHLEY SYNDROME; Choreoacanthocytosis; Chorea-acanthocytosis; VPS13A Disease; ACANTHOCYTOSIS WITH NEUROLOGIC DISORDER; Choreaacanthocytosis. Identifiers: Orphanet 2388, MedGen C0393576, MONDO:0008695, OMIM 200150.

Allele frequency attached by ClinVar (database versions not stated): TOPMed 0.00001; ExAC 0.00002; gnomAD 0.00002; gnomAD exomes 0.00002.
gnomAD v4.1: 35 of 1,611,350 alleles (0.0022%); highest among the groups gnomAD compares: Middle Eastern, 0.066%; no homozygotes.

Submission:

ARUP Laboratories, Molecular Genetics and Genomics, ARUP Laboratories
Classification: Uncertain significance for VPS13A-related neurodegenerative disease. Last evaluated: 2023-09-12. Review status: criteria provided, single submitter. Criteria: ARUP Molecular Germline Variant Investigation Process 2024. Collection method: clinical testing. Allele origin: germline.
Comment: Due to limited information, including a lack of clinical and/or functional data and an uninformative population frequency, the clinical significance of this variant is uncertain at this time.

NM_033305.3(VPS13A):c.9189+2495C>T

Gene: VPS13A (vacuolar protein sorting 13 homolog A; plus strand). Cytogenetic location: 9q21.2.
Variant type: single nucleotide variant.
Coding change: c.9189+2495C>T on transcript NM_033305.3 (MANE Select); 2495 bases into the intron after coding-DNA position 9189, C replaced by T.
Molecular consequence: intron variant.
Genome position (GRCh38, 1-based): chr9:77,384,582, C>T. VCF-style: chr9-77384582-C-T. GRCh37 (hg19) VCF-style: chr9-79999498-C-T.
Other names: c.9072+2495C>T (NM_001018037.2); c.9190-3C>T (NM_015186.4).
Identifiers: ClinVar variation 2921085 (VCV002921085.1), dbSNP rs760984032, ClinGen allele CA5093920.